The following is an entry in ClinVar:

NM_001278716.2(FBXL4):c.470G>T (p.Cys157Phe)

Gene: FBXL4 (F-box and leucine rich repeat protein 4; minus strand). Cytogenetic location: 6q16.2.
Variant type: single nucleotide variant.
Coding change: c.470G>T on transcript NM_001278716.2 (MANE Select); coding-DNA position 470, G replaced by T.
Protein change: p.Cys157Phe; replaces cysteine 157 with phenylalanine.
Molecular consequence: missense variant. On other transcripts: non-coding transcript variant (2).
Genome position (GRCh38, 1-based): chr6:98,926,519, C>A on the plus strand (G>T on the coding strand, the complement: FBXL4 is on the minus strand). VCF-style: chr6-98926519-C-A. GRCh37 (hg19) VCF-style: chr6-99374395-C-A.
Other names: c.470G>T, p.Cys157Phe (NM_012160.5); short protein forms C157F.
Identifiers: ClinVar variation 437582 (VCV000437582.1), dbSNP rs754001134, ClinGen allele CA3933681.
Genomic context (GRCh38, chr6:98,926,519, plus strand): 5'-TTAAAAAATTAGTCTTACCTTACTTCAGCTGGTGGATTTGGGGAATAAGGATTTGCAGAA[C>A]AAGCGAGAATTCTAATGACTGCTCCGGGATGATAGGTTTCTAGAACATGTACAGCTGTAG-3'
Protein context (NP_001265645.1, residues 147-167): HPGAVIRILA[Cys157Phe]SANPYSPNPP

ClinVar aggregate classification (germline): Uncertain significance (1 of 4 stars; one submission).

Conditions:
Mitochondrial DNA depletion syndrome 13. Also called: FBXL4-Related Encephalomyopathic Mitochondrial DNA Depletion Syndrome; Mitochondrial DNA depletion syndrome 13 (encephalomyopathic type). Identifiers: Orphanet 369897, MedGen C3809592, MONDO:0014198, OMIM 615471.

Allele frequency attached by ClinVar (database versions not stated): gnomAD exomes below 0.00001; ExAC 0.00001.
gnomAD v4.1: 2 of 1,613,084 alleles (0.00012%); highest among the groups gnomAD compares: African/African-American, 0.0027%; no homozygotes.

Submission:

Wong Mito Lab, Molecular and Human Genetics, Baylor College of Medicine
Classification: Uncertain significance for Mitochondrial DNA depletion syndrome 13. Last evaluated: 2017-08-10. Review status: criteria provided, single submitter. Criteria: ACMG Guidelines, 2015. Collection method: reference population. Allele origin: germline.
Comment: The NM_012160.4:c.470G>T (NP_036292.2:p.Cys157Phe) [GRCH38: NC_000006.12:g.98926519C>A] variant in FBXL4 gene is interpretated to be a Uncertain Significance - Conflicting Evidence based on ACMG guidelines (PMID: 25741868). This variant meets one or more of the following evidence codes reported in the ACMG-guideline. PM2:This variant is absent in key population databases. BP4:Computational evidence/predictors indicate no impact on the FBXL4 structure, function, or protein-protein interaction. Based on this evidence code ClinGen Pathogenicity Calculator (PMID:28081714) suggested that the variant is Uncertain Significance - Conflicting Evidence.